The following is an entry in ClinVar:

NM_020987.5(ANK3):c.10688A>G (p.Glu3563Gly)

Gene: ANK3 (ankyrin 3; minus strand). Cytogenetic location: 10q21.2.
Variant type: single nucleotide variant.
Coding change: c.10688A>G on transcript NM_020987.5 (MANE Select); coding-DNA position 10688, A replaced by G.
Protein change: p.Glu3563Gly; replaces glutamic acid 3563 with glycine.
Molecular consequence: missense variant. On other transcripts: intron variant (4).
Genome position (GRCh38, 1-based): chr10:60,070,193, T>C on the plus strand (A>G on the coding strand, the complement: ANK3 is on the minus strand). VCF-style: chr10-60070193-T-C. GRCh37 (hg19) VCF-style: chr10-61829951-T-C.
Other names: c.4388-2184A>G (NM_001204403.2); c.4409-2184A>G (NM_001204404.2); c.4406-2184A>G (NM_001320874.2); c.1808-2184A>G (NM_001149.4); short protein forms E3563G.
Identifiers: ClinVar variation 434154 (VCV000434154.52), dbSNP rs147527383, ClinGen allele CA5511213.

ClinVar aggregate classification (germline): Conflicting classifications of pathogenicity. Review status: criteria provided, conflicting classifications (1 of 4 stars). 6 submissions from 6 submitters: Uncertain significance (2); Likely benign (3). 1 of the submissions does not count toward it. Last evaluated 2026-09-01.

Conditions:
ANK3-related disorder. Also called: ANK3-related condition.
Inborn genetic diseases. Identifiers: MedGen C0950123, MeSH D030342.
Intellectual developmental disorder, autosomal recessive 37. Also called: Intellectual disability-hypotonia-spasticity-sleep disorder syndrome. Identifiers: Orphanet 356996, MedGen C3809672, MONDO:0014210, OMIM 615493.

Allele frequency attached by ClinVar (database versions not stated): 1000 Genomes Project 30x 0.00109; 1000 Genomes Project 0.00120; gnomAD 0.00177 and 0.00171; ESP Exome Variant Server 0.00192; gnomAD exomes 0.00167 and 0.00233; ExAC 0.00168; TOPMed 0.00185.
gnomAD v4.1: 3,668 of 1,614,168 alleles (0.23%); highest among the groups gnomAD compares: Admixed American, 0.29%; 7 homozygotes.

Submissions (6):

CeGaT Center for Human Genetics Tuebingen
Classification: Likely benign. Last evaluated: 2026-09-01. Review status: criteria provided, single submitter. Criteria: CeGaT Center For Human Genetics Tuebingen Variant Classification Criteria Version 2. Collection method: clinical testing. Allele origin: germline. Affected: yes. Observed: 9 variant alleles.
Comment: ANK3: BP4, BS2

Labcorp Genetics (formerly Invitae), Labcorp
Classification: Likely benign. Last evaluated: 2026-01-05. Review status: criteria provided, single submitter. Criteria: Invitae Variant Classification Sherloc (09022015). Collection method: clinical testing. Allele origin: germline.

Ambry Genetics
Classification: Likely benign for Inborn genetic diseases. Last evaluated: 2022-09-15. Review status: criteria provided, single submitter. Criteria: Ambry Variant Classification Scheme 2023. Collection method: clinical testing. Allele origin: germline.

Fulgent Genetics
Classification: Uncertain significance for Intellectual developmental disorder, autosomal recessive 37. Last evaluated: 2018-10-31. Review status: criteria provided, single submitter. Criteria: ACMG Guidelines, 2015. Collection method: clinical testing. Allele origin: unknown.

Genetic Services Laboratory, University of Chicago
Classification: Uncertain significance. Last evaluated: 2016-08-22. Review status: criteria provided, single submitter. Criteria: ACMG Guidelines, 2015. Collection method: clinical testing. Allele origin: germline. Affected: no.

PreventionGenetics, part of Exact Sciences
Classification: Likely benign for ANK3-related condition. Last evaluated: 2022-02-15. Review status: no assertion criteria provided. Collection method: clinical testing. Allele origin: germline. Not counted in ClinVar's aggregate classification.
Comment: This variant is classified as likely benign based on ACMG/AMP sequence variant interpretation guidelines (Richards et al. 2015 PMID: 25741868, with internal and published modifications).